The following is an entry in ClinVar:

NM_001267550.2(TTN):c.64475G>A (p.Gly21492Glu)

Genes: TTN-AS1 (TTN antisense RNA 1; plus strand), TTN (titin; minus strand). Cytogenetic location: 2q31.2.
Variant type: single nucleotide variant.
Coding change: c.64475G>A on transcript NM_001267550.2 (MANE Select); coding-DNA position 64475, G replaced by A.
Protein change: p.Gly21492Glu; replaces glycine 21492 with glutamic acid.
Molecular consequence: missense variant.
Genome position (GRCh38, 1-based): chr2:178,585,269, C>T on the plus strand (G>A on the coding strand, the complement: TTN is on the minus strand). VCF-style: chr2-178585269-C-T. GRCh37 (hg19) VCF-style: chr2-179449996-C-T.
Other names: p.Gly19851Glu; c.64475G>A (NM_001267550.1); c.59552G>A, p.Gly19851Glu (NM_001256850.1); c.37280G>A, p.Gly12427Glu (NM_003319.4); c.56771G>A, p.Gly18924Glu (NM_133378.4); c.37655G>A, p.Gly12552Glu (NM_133432.3); c.37856G>A, p.Gly12619Glu (NM_133437.4); short protein forms G21492E, G12619E, G19851E, G12427E, G12552E, G18924E.
Identifiers: ClinVar variation 535424 (VCV000535424.5), dbSNP rs879135883, ClinGen allele CA60962503.

ClinVar aggregate classification (germline): Uncertain significance. Review status: criteria provided, multiple submitters, no conflicts (2 of 4 stars). 3 submissions from 3 submitters: Uncertain significance (3). Last evaluated 2024-01-26.

Conditions:
Autosomal recessive limb-girdle muscular dystrophy type 2J (LGMDR10). Also called: Limb-girdle muscular dystrophy, type 2J; MUSCULAR DYSTROPHY, LIMB-GIRDLE, AUTOSOMAL RECESSIVE 10. Identifiers: Orphanet 140922, MedGen C1837342, MONDO:0012127, OMIM 608807.
Dilated cardiomyopathy 1G (CMD1G). Identifiers: Orphanet 154, MedGen C1858763, MONDO:0011400, OMIM 604145.

Allele frequency attached by ClinVar (database versions not stated): gnomAD exomes below 0.00001; gnomAD 0.00002; TOPMed 0.00003.
gnomAD v4.1: 5 of 1,613,046 alleles (0.00031%); highest among the groups gnomAD compares: African/African-American, 0.0067%; no homozygotes.

Submissions (3):

GeneDx
Classification: Uncertain significance. Last evaluated: 2024-01-26. Review status: criteria provided, single submitter. Criteria: GeneDx Variant Classification Process June 2021. Collection method: clinical testing. Allele origin: germline. Affected: yes.
Comment: Not observed at significant frequency in large population cohorts (gnomAD); Missense variant in a gene in which most reported pathogenic variants are truncating/loss of function; Has not been previously published as pathogenic or benign to our knowledge

Mayo Clinic Laboratories, Mayo Clinic
Classification: Uncertain significance. Last evaluated: 2022-05-26. Review status: criteria provided, single submitter. Criteria: ACMG Guidelines, 2015. Collection method: clinical testing. Allele origin: germline. Observed: 1 variant allele.
Comment: PM2

Labcorp Genetics (formerly Invitae), Labcorp
Classification: Uncertain significance for Dilated cardiomyopathy 1G; Autosomal recessive limb-girdle muscular dystrophy type 2J. Last evaluated: 2017-12-28. Review status: criteria provided, single submitter. Criteria: Invitae Variant Classification Sherloc (09022015). Collection method: clinical testing. Allele origin: germline.